The following is an entry in ClinVar:

ClinVar aggregate classification (germline): Uncertain significance. Review status: criteria provided, multiple submitters, no conflicts (2 of 4 stars). 2 submissions from 2 submitters: Uncertain significance (2). Last evaluated 2024-03-06.

Conditions:
Ornithine carbamoyltransferase deficiency (OTCD). Also called: OTC DEFICIENCY; ORNITHINE TRANSCARBAMYLASE DEFICIENCY, HYPERAMMONEMIA DUE TO; ORNITHINE TRANSCARBAMYLASE DEFICIENCY; Ornithine Carbamoyltransferase Deficiency Disease. Identifiers: Orphanet 664, MedGen C0268542, MONDO:0010703, OMIM 311250.

Allele frequency attached by ClinVar (database versions not stated): ExAC 0.00001; gnomAD 0.00001; gnomAD exomes 0.00002.
gnomAD v4.1: 17 of 1,204,392 alleles (0.0014%); highest among the groups gnomAD compares: Non-Finnish European, 0.0019%; no homozygotes.

Submissions (2):

Color Diagnostics, LLC DBA Color Health
Classification: Uncertain significance for Ornithine carbamoyltransferase deficiency. Last evaluated: 2024-03-06. Review status: criteria provided, single submitter. Criteria: ACMG Guidelines, 2015. Collection method: clinical testing. Allele origin: germline.
Comment: This missense variant replaces lysine with arginine at codon 238 of the OTC protein. Computational prediction is inconclusive regarding the impact of this variant on protein structure and function. To our knowledge, functional studies have not been reported for this variant. This variant has not been reported in individuals affected with ornithine carbamoyltransferase deficiency in the literature. This variant has been identified in 1/183261 chromosomes in the general population by the Genome Aggregation Database (gnomAD). The available evidence is insufficient to determine the role of this variant in disease conclusively. Therefore, this variant is classified as a Variant of Uncertain Significance.

GeneDx
Classification: Uncertain significance. Last evaluated: 2023-09-07. Review status: criteria provided, single submitter. Criteria: GeneDx Variant Classification Process June 2021. Collection method: clinical testing. Allele origin: germline. Affected: yes.
Comment: Not observed at significant frequency in large population cohorts (gnomAD); In silico analysis supports that this missense variant does not alter protein structure/function; Has not been previously published as pathogenic or benign to our knowledge

NM_000531.6(OTC):c.713A>G (p.Lys238Arg)

Gene: OTC (ornithine transcarbamylase; plus strand). Cytogenetic location: Xp11.4.
Variant type: single nucleotide variant.
Coding change: c.713A>G on transcript NM_000531.6 (MANE Select); coding-DNA position 713, A replaced by G.
Protein change: p.Lys238Arg; replaces lysine 238 with arginine.
Molecular consequence: missense variant.
Genome position (GRCh38, 1-based): chrX:38,408,791, A>G. VCF-style: chrX-38408791-A-G. GRCh37 (hg19) VCF-style: chrX-38268044-A-G.
Other names: c.713A>G, p.Lys238Arg (NM_001407092.1); short protein forms K238R.
Identifiers: ClinVar variation 2579300 (VCV002579300.2), dbSNP rs781033717, ClinGen allele CA10385922.